The following is an entry in ClinVar:

ClinVar aggregate classification (germline): Conflicting classifications of pathogenicity. Review status: criteria provided, conflicting classifications (1 of 4 stars). 7 submissions from 7 submitters: Uncertain significance (1); Benign (3); Likely benign (2). 1 of the submissions does not count toward it. Last evaluated 2026-02-01.

Conditions:
Hereditary fructosuria. Also called: ALDOB DEFICIENCY; ALDOLASE B DEFICIENCY; FRUCTOSE-1,6-BISPHOSPHATE ALDOLASE B DEFICIENCY; FRUCTOSE-1-PHOSPHATE ALDOLASE DEFICIENCY; FRUCTOSEMIA; Hereditary fructose intolerance. Identifiers: Orphanet 469, MedGen C0016751, MONDO:0009249, OMIM 229600, HP:0005973. Disease mechanism: loss of function.
ALDOB-related disorder. Also called: ALDOB-related condition.

Allele frequency attached by ClinVar (database versions not stated): TOPMed 0.00084; ESP Exome Variant Server 0.00123.

Submissions (7):

Labcorp Genetics (formerly Invitae), Labcorp
Classification: Benign for Hereditary fructosuria. Last evaluated: 2026-02-01. Review status: criteria provided, single submitter. Criteria: Invitae Variant Classification Sherloc (09022015). Collection method: clinical testing. Allele origin: germline.

PreventionGenetics, part of Exact Sciences
Classification: Benign for ALDOB-related condition. Last evaluated: 2024-11-25. Review status: criteria provided, single submitter. Criteria: ACMG Guidelines, 2015. Collection method: clinical testing. Allele origin: germline.
Comment: This variant is classified as benign based on ACMG/AMP sequence variant interpretation guidelines (Richards et al. 2015 PMID: 25741868, with internal and published modifications).

Blueprint Genetics
Classification: Likely benign. Last evaluated: 2024-11-22. Review status: criteria provided, single submitter. Criteria: ACMG Guidelines, 2015. Collection method: clinical testing. Allele origin: germline.

Illumina Laboratory Services, Illumina
Classification: Uncertain significance for Hereditary fructosuria. Last evaluated: 2018-01-12. Review status: criteria provided, single submitter. Criteria: ICSL Variant Classification Criteria 13 December 2019. Collection method: clinical testing. Allele origin: germline.

GeneDx
Classification: Likely benign. Last evaluated: 2017-11-27. Review status: criteria provided, single submitter. Criteria: GeneDx Variant Classification (06012015). Collection method: clinical testing. Allele origin: germline. Affected: yes.
Comment: This variant is considered likely benign or benign based on one or more of the following criteria: it is a conservative change, it occurs at a poorly conserved position in the protein, it is predicted to be benign by multiple in silico algorithms, and/or has population frequency not consistent with disease.

Eurofins Ntd Llc (ga)
Classification: Benign. Last evaluated: 2017-11-24. Review status: criteria provided, single submitter. Criteria: EGL Classification Definitions 2015. Collection method: clinical testing. Allele origin: germline. Observed: 2 variant alleles, 2 heterozygotes.

Natera, Inc.
Classification: Benign for Fructose intolerance. Last evaluated: 2019-10-21. Review status: no assertion criteria provided. Collection method: clinical testing. Allele origin: germline. Not counted in ClinVar's aggregate classification.

NM_000035.4(ALDOB):c.759C>T (p.Thr253=)

Gene: ALDOB (aldolase, fructose-bisphosphate B; minus strand). Cytogenetic location: 9q31.1.
Variant type: single nucleotide variant.
Coding change: c.759C>T on transcript NM_000035.4 (MANE Select); coding-DNA position 759, C replaced by T.
Protein change: p.Thr253=; no amino-acid change (threonine 253 retained).
Molecular consequence: synonymous variant.
Genome position (GRCh38, 1-based): chr9:101,425,493, G>A on the plus strand (C>T on the coding strand, the complement: ALDOB is on the minus strand). VCF-style: chr9-101425493-G-A. GRCh37 (hg19) VCF-style: chr9-104187775-G-A.
Other names: c.759C>T, p.Thr253= (LRG_1244t1).
Identifiers: ClinVar variation 287107 (VCV000287107.24), dbSNP rs146360505, ClinGen allele CA5161483.